The following is an entry in ClinVar:

ClinVar aggregate classification (germline): Pathogenic/Likely pathogenic. Review status: criteria provided, multiple submitters, no conflicts (2 of 4 stars). 2 submissions from 2 submitters: Pathogenic (1); Likely pathogenic (1). Last evaluated 2025-11-16.

Conditions:
Glycogen storage disease type III (GSD3). Also called: FORBES DISEASE; Cori disease. Identifiers: Orphanet 366, MedGen C0017922, MONDO:0009291, OMIM 232400.

Submissions (2):

Myriad Genetics, Inc.
Classification: Pathogenic for Glycogen storage disease type III. Last evaluated: 2025-11-16. Review status: criteria provided, single submitter. Criteria: Myriad Autosomal Dominant, Autosomal Recessive and X-Linked Classification Criteria (2023). Collection method: clinical testing. Allele origin: unknown.
Comment: NM_000642.2(AGL):c.4037C>A(S1346*) is expected to be pathogenic in the context of glycogen storage disease type III. This variant is predicted to lead to an abnormal or absent protein product due to the creation of a premature termination codon in AGL, a gene where loss-of-function variants are known to be pathogenic. Please note: this variant was assessed in the context of healthy population screening.

Natera, Inc.
Classification: Likely pathogenic for Glycogen storage disease type III. Last evaluated: 2025-05-04. Review status: criteria provided, single submitter. Criteria: Natera Variant Classification Schema (03/2026). Collection method: clinical testing. Allele origin: germline.
Comment: The c.4037C>A variant in AGL is a nonsense variant predicted to introduce a stop codon at amino acid 1346. This variant is expected to result in nonsense mediated decay, truncation, or a dysfunctional protein product. This variant is rare in the general population with a frequency below the threshold expected for the associated phenotype(s). Given the available evidence, this variant is classified as Likely Pathogenic.

NM_000642.3(AGL):c.4037C>A (p.Ser1346Ter)

Gene: AGL (amylo-alpha-1,6-glucosidase and 4-alpha-glucanotransferase; plus strand). Cytogenetic location: 1p21.2.
Variant type: single nucleotide variant.
Coding change: c.4037C>A on transcript NM_000642.3 (MANE Select); coding-DNA position 4037, C replaced by A.
Protein change: p.Ser1346Ter; replaces serine 1346 with a stop codon.
Molecular consequence: nonsense.
Genome position (GRCh38, 1-based): chr1:99,913,614, C>A. VCF-style: chr1-99913614-C-A. GRCh37 (hg19) VCF-style: chr1-100379170-C-A.
Other names: c.4037C>A, p.Ser1346Ter (NM_000028.3, NM_000643.3, NM_000644.3 and 1 more transcripts); c.3989C>A, p.Ser1330Ter (NM_000646.3); c.4016C>A, p.Ser1339Ter (NM_001425326.1); c.3836C>A, p.Ser1279Ter (NM_001425327.1); c.3833C>A, p.Ser1278Ter (NM_001425328.1); c.3698C>A, p.Ser1233Ter (NM_001425329.1); c.3659C>A, p.Ser1220Ter (NM_001425332.1); short protein forms S1220*, S1233*, S1278*, S1279*, S1330*, S1339*, S1346*.
Identifiers: ClinVar variation 4067791 (VCV004067791.3).
Genomic context (GRCh38, chr1:99,913,614, plus strand): 5'-AGTGGAACAGAAAAATACAAGACAACTTTGAAAAGCTATTTCATGTTTCCGAAGACCCTT[C>A]AGATTTAAATGAAAAGCATCCAAATCTGGTTCACAAACGTGGCATATACAAAGATAGTTA-3'